The following is an entry in ClinVar:

ClinVar aggregate classification (germline): Pathogenic (1 of 4 stars; one submission).

Conditions:
Neuromuscular disease caused by qualitative or quantitative defects of dystrophin. Also called: Qualitative or quantitative defects of dystrophin. Identifiers: Orphanet 207085, MedGen C5679787, MONDO:0016147.

Submission:

Women's Health and Genetics/Laboratory Corporation of America, LabCorp
Classification: Pathogenic for Neuromuscular disease caused by qualitative or quantitative defects of dystrophin. Last evaluated: 2025-01-31. Review status: criteria provided, single submitter. Criteria: LabCorp Variant Classification Summary - May 2015. Collection method: clinical testing. Allele origin: germline.
Comment: Variant summary: The variant involves the deletion of exons 8-11 in the DMD gene. A presumed nomenclature of c.(649+1_650-1)_(1331+1_1332-1)del has been designated for the purposes of this classification. This Copy Number Variant (CNV) is expected to alter the reading frame and predicted to result in a truncation or absence of the encoded protein due to nonsense mediated decay (NMD). The variant was absent in 16111 control chromosomes. c.(649+1_650-1)_(1331+1_1332-1)del has been reported in the hemizygous state in the literature in at least 1 individual affected with Dystrophinopathies (example, Nallamilli_2021). These report(s) do not provide unequivocal conclusions about association of the variant with Dystrophinopathies. To our knowledge, no experimental evidence demonstrating an impact on protein function has been reported. The following publication has been ascertained in the context of this evaluation (PMID: 33644936). ClinVar contains an entry for this variant (Variation ID: 1807247). Based on the evidence outlined above, the variant was classified as pathogenic.

Literature cited by the submitters: PubMed 33644936.

NC_000023.10:g.(32632571_32662248)_(32717411_32827609)del

Gene: DMD (dystrophin; minus strand). Cytogenetic location: Xp21.1.
Variant type: Deletion.
Identifiers: ClinVar variation 3769210 (VCV003769210.2).